The following is an entry in ClinVar:

NM_207371.4(SKIDA1):c.1585G>A (p.Ala529Thr)

Gene: SKIDA1 (SKI/DACH domain containing 1; minus strand). Cytogenetic location: 10p12.31.
Variant type: single nucleotide variant.
Coding change: c.1585G>A on transcript NM_207371.4 (MANE Select); coding-DNA position 1585, G replaced by A.
Protein change: p.Ala529Thr; replaces alanine 529 with threonine.
Molecular consequence: missense variant.
Genome position (GRCh38, 1-based): chr10:21,516,238, C>T on the plus strand (G>A on the coding strand, the complement: SKIDA1 is on the minus strand). VCF-style: chr10-21516238-C-T. GRCh37 (hg19) VCF-style: chr10-21805167-C-T.
Other names: short protein forms A529T.
Identifiers: ClinVar variation 3044230 (VCV003044230.2), dbSNP rs187865454, ClinGen allele CA5434073.
Genomic context (GRCh38, chr10:21,516,238, plus strand): 5'-TATCGTTCCTTATCTCAGCGAAACAACTCCCCAGGCTGGCCGGGCAGTACACCGGAGATG[C>T]TTTGGGGGCCCAGCTCTGCAGATTCCACTCCGCCGGCGACTCCGCTTTGACACTACTCTT-3'
Protein context (NP_997254.3, residues 519-539): EWNLQSWAPK[Ala529Thr]SPVYCPASLG

ClinVar aggregate classification (germline): Benign (0 of 4 stars; one submission).

Conditions:
SKIDA1-related disorder. Also called: SKIDA1-related condition.

Allele frequency attached by ClinVar (database versions not stated): ExAC 0.00072; gnomAD 0.00234; TOPMed 0.00244; ESP Exome Variant Server 0.00276; 1000 Genomes Project 0.00280; 1000 Genomes Project 30x 0.00297.

Submission:

PreventionGenetics, part of Exact Sciences
Classification: Benign for SKIDA1-related condition. Last evaluated: 2019-09-18. Review status: no assertion criteria provided. Collection method: clinical testing. Allele origin: germline.
Comment: This variant is classified as benign based on ACMG/AMP sequence variant interpretation guidelines (Richards et al. 2015 PMID: 25741868, with internal and published modifications).